The following is an entry in ClinVar:

ClinVar aggregate classification (germline): Uncertain significance (1 of 4 stars; one submission).

Submission:

Labcorp Genetics (formerly Invitae), Labcorp
Classification: Uncertain significance. Last evaluated: 2023-02-22. Review status: criteria provided, single submitter. Criteria: Invitae Variant Classification Sherloc (09022015). Collection method: clinical testing. Allele origin: germline.
Comment: In summary, the available evidence is currently insufficient to determine the role of this variant in disease. Therefore, it has been classified as a Variant of Uncertain Significance. Experimental studies and prediction algorithms are not available or were not evaluated, and the effect of this variant on mRNA splicing is currently unknown. This variant has not been reported in the literature in individuals affected with MYH3-related conditions. Information on the frequency of this variant in the gnomAD database is not available, as this variant may be reported differently in the database. This sequence change falls in intron 34 of the MYH3 gene. It does not directly change the encoded amino acid sequence of the MYH3 protein.

NM_002470.4(MYH3):c.4957-16_4957-15delinsCG

Gene: MYH3 (myosin heavy chain 3; minus strand). Cytogenetic location: 17p13.1.
Variant type: Indel.
Coding change: c.4957-16_4957-15delinsCG on transcript NM_002470.4 (MANE Select); 16 bases into the intron before coding-DNA position 4957 through 15 bases into the intron before coding-DNA position 4957, GT replaced by CG.
Molecular consequence: intron variant.
Genome position (GRCh38, 1-based): chr17:10,632,031-10,632,032, AC replaced by CG on the plus strand (GT replaced by CG on the coding strand, the reverse complement: MYH3 is on the minus strand). VCF-style: chr17-10632031-AC-CG. GRCh37 (hg19) VCF-style: chr17-10535348-AC-CG.
Identifiers: ClinVar variation 2789796 (VCV002789796.3), dbSNP rs2508569331, ClinGen allele CA2739267139.